The following is an entry in ClinVar:

NM_000135.4(FANCA):c.2786del (p.Tyr929fs)

Gene: FANCA (FA complementation group A; minus strand). Cytogenetic location: 16q24.3.
Variant type: Deletion.
Coding change: c.2786del on transcript NM_000135.4 (MANE Select); coding-DNA position 2786, one base deleted (A; older notation c.2786delA).
Protein change: p.Tyr929fs; shifts the reading frame from tyrosine 929.
Molecular consequence: frameshift variant.
Genome position (GRCh38, 1-based): chr16:89,762,015, T deleted on the plus strand (A on the coding strand, the reverse complement: FANCA is on the minus strand). VCF-style (leftmost placement, unchanged base first): chr16-89762014-GT-G. GRCh37 (hg19) VCF-style: chr16-89828422-GT-G.
Other names: c.2786del, p.Tyr929fs (NM_001286167.3); short protein forms Y929fs.
Identifiers: ClinVar variation 838509 (VCV000838509.29), dbSNP rs779480428, ClinGen allele CA8251500.
Genomic context (GRCh38, chr16:89,762,014, plus strand): 5'-AGTATCTGAAAGAGCATCAGCTTCAGGTTGAATTTCCAGCTCCAGGTGTAACCAGTCTTG[GT>G]AAGTTAACTGAGAAAGAGAGCAAGCAATTCAATACAATGAGGACAGAACACACAATCCAC-3'

ClinVar aggregate classification (germline): Pathogenic. Review status: criteria provided, multiple submitters, no conflicts (2 of 4 stars). 2 submissions from 2 submitters: Pathogenic (2). Last evaluated 2024-01-01.

Conditions:
Fanconi anemia (FA). Also called: Fanconi's anemia. Identifiers: Orphanet 84, MedGen C0015625, MeSH D005199, MONDO:0019391.

Allele frequency attached by ClinVar (database versions not stated): gnomAD exomes below 0.00001 and 0.00001; ExAC 0.00001.

Submissions (2):

CeGaT Center for Human Genetics Tuebingen
Classification: Pathogenic. Last evaluated: 2024-01-01. Review status: criteria provided, single submitter. Criteria: CeGaT Center For Human Genetics Tuebingen Variant Classification Criteria Version 2. Collection method: clinical testing. Allele origin: germline. Affected: yes. Observed: 1 variant allele.
Comment: FANCA: PVS1, PM2

Labcorp Genetics (formerly Invitae), Labcorp
Classification: Pathogenic for Fanconi anemia. Last evaluated: 2021-12-18. Review status: criteria provided, single submitter. Criteria: Invitae Variant Classification Sherloc (09022015). Collection method: clinical testing. Allele origin: germline.
Comment: This variant has not been reported in the literature in individuals affected with FANCA-related conditions. This sequence change creates a premature translational stop signal (p.Tyr929Serfs*60) in the FANCA gene. It is expected to result in an absent or disrupted protein product. Loss-of-function variants in FANCA are known to be pathogenic (PMID: 19367192). This variant is present in population databases (rs779480428, gnomAD 0.003%). ClinVar contains an entry for this variant (Variation ID: 838509). For these reasons, this variant has been classified as Pathogenic.

Literature cited by the submitters: PubMed 19367192 (cited by Labcorp Genetics (formerly Invitae), Labcorp).